The following is an entry in ClinVar:

ClinVar aggregate classification (germline): Uncertain significance (1 of 4 stars; one submission).

Conditions:
RYR1-related disorder. Also called: RYR1-related condition; RYR1-related disorders. Identifiers: MedGen CN239331.

Submission:

Labcorp Genetics (formerly Invitae), Labcorp
Classification: Uncertain significance for RYR1-related disorder. Last evaluated: 2024-10-18. Review status: criteria provided, single submitter. Criteria: Invitae Variant Classification Sherloc (09022015). Collection method: clinical testing. Allele origin: germline.
Comment: This sequence change replaces threonine, which is neutral and polar, with isoleucine, which is neutral and non-polar, at codon 4259 of the RYR1 protein (p.Thr4259Ile). This variant is not present in population databases (gnomAD no frequency). This variant has not been reported in the literature in individuals affected with RYR1-related conditions. ClinVar contains an entry for this variant (Variation ID: 544413). Invitae Evidence Modeling of protein sequence and biophysical properties (such as structural, functional, and spatial information, amino acid conservation, physicochemical variation, residue mobility, and thermodynamic stability) indicates that this missense variant is not expected to disrupt RYR1 protein function with a negative predictive value of 80%. In summary, the available evidence is currently insufficient to determine the role of this variant in disease. Therefore, it has been classified as a Variant of Uncertain Significance.

NM_000540.3(RYR1):c.12776C>T (p.Thr4259Ile)

Gene: RYR1 (ryanodine receptor 1; plus strand). Cytogenetic location: 19q13.2.
Variant type: single nucleotide variant.
Coding change: c.12776C>T on transcript NM_000540.3 (MANE Select); coding-DNA position 12776, C replaced by T.
Protein change: p.Thr4259Ile; replaces threonine 4259 with isoleucine.
Molecular consequence: missense variant.
Genome position (GRCh38, 1-based): chr19:38,565,110, C>T. VCF-style: chr19-38565110-C-T. GRCh37 (hg19) VCF-style: chr19-39055750-C-T.
Other names: c.12761C>T, p.Thr4254Ile (NM_001042723.2); short protein forms T4259I, T4254I.
Identifiers: ClinVar variation 544413 (VCV000544413.6), dbSNP rs759030560, ClinGen allele CA405671130.